The following is an entry in ClinVar:

ClinVar aggregate classification (germline): Pathogenic (1 of 4 stars; one submission).

Conditions:
Autosomal recessive nonsyndromic hearing loss 12. Also called: DEAFNESS, AUTOSOMAL RECESSIVE 12. Identifiers: Orphanet 90636, MedGen C1832394, MONDO:0011067, OMIM 601386.

Submission:

Institute of Rare Diseases, West China Hospital, Sichuan University
Classification: Pathogenic for Autosomal recessive nonsyndromic hearing loss 12. Last evaluated: 2025-01-09. Review status: criteria provided, single submitter. Criteria: ClinGen HL ACMG Specifications v1. Collection method: research. Allele origin: germline. Affected: yes.
Comment: PVS1;PM3;PM2_Supporting

NM_022124.6(CDH23):c.2815del (p.Leu939fs)

Gene: CDH23 (cadherin related 23; plus strand). Cytogenetic location: 10q22.1.
Variant type: Deletion.
Coding change: c.2815del on transcript NM_022124.6 (MANE Select); coding-DNA position 2815, one base deleted (C; older notation c.2815delC).
Protein change: p.Leu939fs; shifts the reading frame from leucine 939.
Molecular consequence: frameshift variant.
Genome position (GRCh38, 1-based): chr10:71,704,992, C deleted; the last of 2 consecutive C bases (chr10:71,704,991-71,704,992); deleting either gives the same sequence. VCF-style (leftmost placement, unchanged base first): chr10-71704990-TC-T. GRCh37 (hg19) VCF-style: chr10-73464747-TC-T.
Other names: c.2815del, p.Leu939fs (NM_001171930.2, NM_001171931.2); short protein forms L939fs.
Identifiers: ClinVar variation 3601236 (VCV003601236.1).
Genomic context (GRCh38, chr10:71,704,990, plus strand): 5'-ATGAGGGCCTGAACGGCCTGGTGTCCTACCGCATGCCGGTGGGCATGCCCCGCATGGACT[TC>T]CTCATCAACAGCAGCAGCGGCGTGGTGGTCACCACCACCGAGCTGGACCGCGAGCGCATC-3'